The following is an entry in ClinVar:

NM_007294.4(BRCA1):c.5533_5534insG (p.Tyr1845Ter)

Gene: BRCA1 (BRCA1 DNA repair associated; minus strand). Cytogenetic location: 17q21.31.
Variant type: Insertion.
Coding change: c.5533_5534insG on transcript NM_007294.4 (MANE Select); coding-DNA positions 5533 to 5534, G inserted.
Protein change: p.Tyr1845Ter; replaces tyrosine 1845 with a stop codon.
Molecular consequence: nonsense. On other transcripts: frameshift variant (349), 3 prime UTR variant (1), non-coding transcript variant (1).
Genome position: GRCh38 VCF-style: chr17-43045736-T-TC. GRCh37 (hg19) VCF-style: chr17-41197753-T-TC.
Other names: c.5320_5321insG, p.Tyr1774Terfs (NM_001407571.1, NM_001407894.1, NM_001407895.1 and 12 more transcripts); c.5599_5600insG, p.Tyr1867Terfs (NM_001407581.1, NM_001407582.1); c.5596_5597insG, p.Tyr1866Terfs (NM_001407583.1, NM_001407585.1, NM_001407587.1); c.5593_5594insG, p.Tyr1865Terfs (NM_001407590.1, NM_001407591.1); c.5533_5534insG, p.Tyr1845Terfs (NM_001407593.1, NM_001407594.1, NM_001407596.1 and 5 more transcripts); c.5530_5531insG, p.Tyr1844Terfs (NM_001407610.1, NM_001407611.1, NM_001407612.1 and 14 more transcripts); c.5527_5528insG, p.Tyr1843Terfs (NM_001407627.1, NM_001407628.1, NM_001407629.1 and 13 more transcripts); c.5524_5525insG, p.Tyr1842Terfs (NM_001407644.1, NM_001407645.1); and 76 more; short protein forms Y1798*, Y1845*, Y1866*, Y741*.
Identifiers: ClinVar variation 548197 (VCV000548197.2), dbSNP rs1555574384, ClinGen allele CA658824706.

ClinVar aggregate classification (germline): Pathogenic (3 of 4 stars; one submission).

Conditions:
Breast-ovarian cancer, familial, susceptibility to, 1 (BROVCA1). Also called: BRCA1 Hereditary Breast and Ovarian Cancer; OVARIAN CANCER, SUSCEPTIBILITY TO. Identifiers: Orphanet 145, MedGen C2676676, MONDO:0011450, OMIM 604370. Disease mechanism: loss of function.

Submission:

Evidence-based Network for the Interpretation of Germline Mutant Alleles (ENIGMA)
Classification: Pathogenic for Breast-ovarian cancer, familial, susceptibility to, 1. Last evaluated: 2017-12-15. Review status: reviewed by expert panel. Criteria: ENIGMA BRCA1/2 Classification Criteria (2017-06-29). Collection method: curation. Allele origin: germline. Study: ENIGMA.
Comment: Variant allele predicted to encode a truncated non-functional protein.